The following is an entry in ClinVar:

ClinVar aggregate classification (germline): Likely benign. Review status: criteria provided, multiple submitters, no conflicts (2 of 4 stars). 2 submissions from 2 submitters: Likely benign (2). Last evaluated 2023-05-12.

Conditions:
Alpha thalassemia-X-linked intellectual disability syndrome (ATRX). Also called: X-linked alpha-thalassemia-mental retardation syndrome; ALPHA-THALASSEMIA/MENTAL RETARDATION SYNDROME, X-LINKED; ATR, NONDELETION TYPE; ATR-X syndrome; Alpha thalassemia mental retardation syndrome, nondeletion type, X-linked; XLMR hypotonic face syndrome. Identifiers: Orphanet 847, MedGen C1845055, MONDO:0010519, OMIM 301040.

gnomAD v4.1: 1 of 1,210,429 alleles (0.000083%); highest among the groups gnomAD compares: Middle Eastern, 0.023%; no homozygotes.

Submissions (2):

Labcorp Genetics (formerly Invitae), Labcorp
Classification: Likely benign for Alpha thalassemia-X-linked intellectual disability syndrome. Last evaluated: 2023-05-12. Review status: criteria provided, single submitter. Criteria: Invitae Variant Classification Sherloc (09022015). Collection method: clinical testing. Allele origin: germline.

CeGaT Center for Human Genetics Tuebingen
Classification: Likely benign. Last evaluated: 2022-07-01. Review status: criteria provided, single submitter. Criteria: CeGaT Center For Human Genetics Tuebingen Variant Classification Criteria Version 2. Collection method: clinical testing. Allele origin: germline. Affected: yes. Observed: 1 variant allele.
Comment: ATRX: PM2:Supporting, BP4, BP7

NM_000489.6(ATRX):c.7029A>G (p.Thr2343=)

Gene: ATRX (ATRX chromatin remodeler; minus strand). Cytogenetic location: Xq21.1.
Variant type: single nucleotide variant.
Coding change: c.7029A>G on transcript NM_000489.6 (MANE Select); coding-DNA position 7029, A replaced by G.
Protein change: p.Thr2343=; no amino-acid change (threonine 2343 retained).
Molecular consequence: synonymous variant.
Genome position (GRCh38, 1-based): chrX:77,521,445, T>C on the plus strand (A>G on the coding strand, the complement: ATRX is on the minus strand). VCF-style: chrX-77521445-T-C. GRCh37 (hg19) VCF-style: chrX-76776923-T-C.
Other names: c.6915A>G, p.Thr2305= (NM_138270.5).
Identifiers: ClinVar variation 1566284 (VCV001566284.37), dbSNP rs1557041353, ClinGen allele CA517374499.